The following is an entry in ClinVar:

ClinVar aggregate classification (germline): Uncertain significance (1 of 4 stars; one submission).

Submission:

Labcorp Genetics (formerly Invitae), Labcorp
Classification: Uncertain significance. Last evaluated: 2025-04-30. Review status: criteria provided, single submitter. Criteria: Invitae Variant Classification Sherloc (09022015). Collection method: clinical testing. Allele origin: germline.
Comment: This sequence change replaces glutamine, which is neutral and polar, with histidine, which is basic and polar, at codon 560 of the ATP6V1A protein (p.Gln560His). This variant is not present in population databases (gnomAD no frequency). This variant has not been reported in the literature in individuals affected with ATP6V1A-related conditions. Invitae Evidence Modeling of protein sequence and biophysical properties (such as structural, functional, and spatial information, amino acid conservation, physicochemical variation, residue mobility, and thermodynamic stability) indicates that this missense variant is not expected to disrupt ATP6V1A protein function with a negative predictive value of 80%. In summary, the available evidence is currently insufficient to determine the role of this variant in disease. Therefore, it has been classified as a Variant of Uncertain Significance.

NM_001690.4(ATP6V1A):c.1680G>T (p.Gln560His)

Gene: ATP6V1A (ATPase H+ transporting V1 subunit A; plus strand). Cytogenetic location: 3q13.31.
Variant type: single nucleotide variant.
Coding change: c.1680G>T on transcript NM_001690.4 (MANE Select); coding-DNA position 1680, G replaced by T.
Protein change: p.Gln560His; replaces glutamine 560 with histidine.
Molecular consequence: missense variant.
Genome position (GRCh38, 1-based): chr3:113,805,444, G>T. VCF-style: chr3-113805444-G-T. GRCh37 (hg19) VCF-style: chr3-113524291-G-T.
Other names: short protein forms Q560H.
Identifiers: ClinVar variation 4743631 (VCV004743631.1).
Genomic context (GRCh38, chr3:113,805,444, plus strand): 5'-GCTGTCCAACATGATTGCATTTTATGATATGGCTCGTAGAGCTGTTGAAACCACTGCCCA[G>T]AGTGACAATAAAATCACATGGTCCATTATTCGTGAGCACATGGGAGACATCCTCTATAAA-3'
Protein context (NP_001681.2, residues 550-570): MARRAVETTA[Gln560His]SDNKITWSII